The following is an entry in ClinVar:

NM_001206927.2(DNAH8):c.11702C>T (p.Ala3901Val)

Genes: DNAH8 (dynein axonemal heavy chain 8; plus strand), DNAH8-AS1 (DNAH8 antisense RNA 1; minus strand). Cytogenetic location: 6p21.2.
Variant type: single nucleotide variant.
Coding change: c.11702C>T on transcript NM_001206927.2 (MANE Select); coding-DNA position 11702, C replaced by T.
Protein change: p.Ala3901Val; replaces alanine 3901 with valine.
Molecular consequence: missense variant.
Genome position (GRCh38, 1-based): chr6:38,938,112, C>T. VCF-style: chr6-38938112-C-T. GRCh37 (hg19) VCF-style: chr6-38905888-C-T.
Other names: c.11051C>T, p.Ala3684Val (NM_001371.4); short protein forms A3901V, A3684V.
Identifiers: ClinVar variation 579729 (VCV000579729.11), dbSNP rs749482996, ClinGen allele CA3791154.

ClinVar aggregate classification (germline): Uncertain significance (1 of 4 stars; one submission).

Conditions:
Primary ciliary dyskinesia. Also called: Ciliary dyskinesia. Identifiers: Orphanet 244, MedGen C0008780, MONDO:0016575, HP:0012265.

Allele frequency attached by ClinVar (database versions not stated): gnomAD 0.00002; TOPMed 0.00002.
gnomAD v4.1: 8 of 1,613,928 alleles (0.0005%); highest among the groups gnomAD compares: East Asian, 0.0022%; no homozygotes.

Submission:

Labcorp Genetics (formerly Invitae), Labcorp
Classification: Uncertain significance for Primary ciliary dyskinesia. Last evaluated: 2022-06-03. Review status: criteria provided, single submitter. Criteria: Invitae Variant Classification Sherloc (09022015). Collection method: clinical testing. Allele origin: germline.
Comment: This sequence change replaces alanine, which is neutral and non-polar, with valine, which is neutral and non-polar, at codon 3901 of the DNAH8 protein (p.Ala3901Val). This variant is present in population databases (rs749482996, gnomAD 0.005%). This variant has not been reported in the literature in individuals affected with DNAH8-related conditions. ClinVar contains an entry for this variant (Variation ID: 579729). Algorithms developed to predict the effect of missense changes on protein structure and function output the following: SIFT: "Tolerated"; PolyPhen-2: "Not Available"; Align-GVGD: "Class C0". The valine amino acid residue is found in multiple mammalian species, which suggests that this missense change does not adversely affect protein function. In summary, the available evidence is currently insufficient to determine the role of this variant in disease. Therefore, it has been classified as a Variant of Uncertain Significance.